The following is an entry in ClinVar:

NM_001297.5(CNGB1):c.3629G>T (p.Gly1210Val)

Gene: CNGB1 (cyclic nucleotide gated channel subunit beta 1; minus strand). Cytogenetic location: 16q21.
Variant type: single nucleotide variant.
Coding change: c.3629G>T on transcript NM_001297.5 (MANE Select); coding-DNA position 3629, G replaced by T.
Protein change: p.Gly1210Val; replaces glycine 1210 with valine.
Molecular consequence: missense variant.
Genome position (GRCh38, 1-based): chr16:57,884,291, C>A on the plus strand (G>T on the coding strand, the complement: CNGB1 is on the minus strand). VCF-style: chr16-57884291-C-A. GRCh37 (hg19) VCF-style: chr16-57918195-C-A.
Other names: c.3611G>T, p.Gly1204Val (NM_001286130.2); short protein forms G1210V, G1204V.
Identifiers: ClinVar variation 1939280 (VCV001939280.5), dbSNP rs866203302, ClinGen allele CA396059455.

ClinVar aggregate classification (germline): Uncertain significance (1 of 4 stars; one submission).

gnomAD v4.1: 1 of 1,613,350 alleles (0.000062%); highest among the groups gnomAD compares: Non-Finnish European, 0.000085%; no homozygotes.

Submission:

Labcorp Genetics (formerly Invitae), Labcorp
Classification: Uncertain significance. Last evaluated: 2022-01-18. Review status: criteria provided, single submitter. Criteria: Invitae Variant Classification Sherloc (09022015). Collection method: clinical testing. Allele origin: germline.
Comment: This sequence change replaces glycine, which is neutral and non-polar, with valine, which is neutral and non-polar, at codon 1210 of the CNGB1 protein (p.Gly1210Val). In summary, the available evidence is currently insufficient to determine the role of this variant in disease. Therefore, it has been classified as a Variant of Uncertain Significance. Algorithms developed to predict the effect of sequence changes on RNA splicing suggest that this variant may create or strengthen a splice site. Advanced modeling of protein sequence and biophysical properties (such as structural, functional, and spatial information, amino acid conservation, physicochemical variation, residue mobility, and thermodynamic stability) performed at Invitae indicates that this missense variant is not expected to disrupt CNGB1 protein function. This variant has not been reported in the literature in individuals affected with CNGB1-related conditions. This variant is present in population databases (no rsID available, gnomAD 0.0009%).